The following is an entry in ClinVar:

NM_000038.6(APC):c.135+9A>T

Gene: APC (APC regulator of Wnt signaling pathway; plus strand). Cytogenetic location: 5q22.2.
Variant type: single nucleotide variant.
Coding change: c.135+9A>T on transcript NM_000038.6 (MANE Select); 9 bases into the intron after coding-DNA position 135, A replaced by T.
Molecular consequence: intron variant.
Genome position (GRCh38, 1-based): chr5:112,755,034, A>T. VCF-style: chr5-112755034-A-T. GRCh37 (hg19) VCF-style: chr5-112090731-A-T.
Other names: c.-901+9A>T (NM_001407470.1, NM_001407472.1, NM_001354906.2 and 1 more transcripts); c.135+9A>T (NM_001407447.1, NM_001354895.2, NM_001407456.1 and 16 more transcripts); c.166-11292A>T (NM_001407446.1, NM_001354897.2, NM_001354902.2 and 1 more transcripts); c.-42-11292A>T (NM_001407453.1, NM_001354900.2, NM_001354901.2 and 1 more transcripts); c.61-11292A>T (NM_001407451.1, NM_001354898.2, NM_001354904.2).
Identifiers: ClinVar variation 3148255 (VCV003148255.1), dbSNP rs2149738997, ClinGen allele CA2709987316.
Genomic context (GRCh38, chr5:112,755,034, plus strand): 5'-AGATAATTCCAATCATCTTACAAAACTGGAAACTGAGGCATCTAATATGAAGGTATCAAG[A>T]CTGTGACTTTTAATTGTAGTTTATCCATTTTTATTCAGTATTCCCTCTTGTAAACTTGAG-3'

ClinVar aggregate classification (germline): Likely benign (1 of 4 stars; one submission).

Conditions:
Familial adenomatous polyposis 1 (FAP1). Also called: POLYPOSIS, ADENOMATOUS INTESTINAL; FAMILIAL ADENOMATOUS POLYPOSIS 1, ATTENUATED. Identifiers: MedGen C2713442, MONDO:0021056, OMIM 175100. Disease mechanism: loss of function.

Submission:

Myriad Genetics, Inc.
Classification: Likely benign for Familial adenomatous polyposis 1. Last evaluated: 2024-02-22. Review status: criteria provided, single submitter. Criteria: Myriad Autosomal Dominant, Autosomal Recessive and X-Linked Classification Criteria (2023). Collection method: clinical testing. Allele origin: unknown.
Comment: This variant is considered likely benign. This variant is intronic and is not expected to impact mRNA splicing.